The following is an entry in ClinVar:

ClinVar aggregate classification (germline): Uncertain significance. Review status: criteria provided, multiple submitters, no conflicts (2 of 4 stars). 2 submissions from 2 submitters: Uncertain significance (2). Last evaluated 2024-09-01.

Allele frequency attached by ClinVar (database versions not stated): gnomAD exomes below 0.00001; TOPMed below 0.00001.
gnomAD v4.1: 2 of 1,604,426 alleles (0.00012%); highest among the groups gnomAD compares: Non-Finnish European, 0.00017%; no homozygotes.

Submissions (2):

Labcorp Genetics (formerly Invitae), Labcorp
Classification: Uncertain significance. Last evaluated: 2024-09-01. Review status: criteria provided, single submitter. Criteria: Invitae Variant Classification Sherloc (09022015). Collection method: clinical testing. Allele origin: germline.
Comment: This sequence change replaces leucine, which is neutral and non-polar, with valine, which is neutral and non-polar, at codon 191 of the ARIH1 protein (p.Leu191Val). This variant is not present in population databases (gnomAD no frequency). This variant has not been reported in the literature in individuals affected with ARIH1-related conditions. An algorithm developed to predict the effect of missense changes on protein structure and function (PolyPhen-2) suggests that this variant is likely to be tolerated. In summary, the available evidence is currently insufficient to determine the role of this variant in disease. Therefore, it has been classified as a Variant of Uncertain Significance.

Ambry Genetics
Classification: Uncertain significance. Last evaluated: 2023-12-20. Review status: criteria provided, single submitter. Criteria: Ambry Variant Classification Scheme 2023. Collection method: clinical testing. Allele origin: germline.

NM_005744.5(ARIH1):c.571T>G (p.Leu191Val)

Gene: ARIH1 (ariadne RBR E3 ubiquitin protein ligase 1; plus strand). Cytogenetic location: 15q24.1.
Variant type: single nucleotide variant.
Coding change: c.571T>G on transcript NM_005744.5 (MANE Select); coding-DNA position 571, T replaced by G.
Protein change: p.Leu191Val; replaces leucine 191 with valine.
Molecular consequence: missense variant.
Genome position (GRCh38, 1-based): chr15:72,544,947, T>G. VCF-style: chr15-72544947-T-G. GRCh37 (hg19) VCF-style: chr15-72837288-T-G.
Other names: c.571T>G (NM_005744.3); short protein forms L191V.
Identifiers: ClinVar variation 2869054 (VCV002869054.4), dbSNP rs1000868639, ClinGen allele CA273268326.
Genomic context (GRCh38, chr15:72,544,947, plus strand): 5'-CGAACACGCCAGATGAATACAAGGTCATCAGCACAGGATATGCCTTGTCAGATCTGCTAC[T>G]TGAACTACCCTAACTCGGTGAGTATCTGGTAGTTTAAGGCTAGTGCTGACTTTGTATTTC-3'
Protein context (NP_005735.2, residues 181-201): AQDMPCQICY[Leu191Val]NYPNSYFTGL